The following is an entry in ClinVar:

NM_032242.4(PLXNA1):c.4924_4935dup (p.Pro1645_Asp1646insMetIleThrPro)

Gene: PLXNA1 (plexin A1; plus strand). Cytogenetic location: 3q21.3.
Variant type: Duplication.
Coding change: c.4924_4935dup on transcript NM_032242.4 (MANE Select); coding-DNA positions 4924 to 4935, 12 bases duplicated (ATGATCACGCCC).
Protein change: p.Pro1645_Asp1646insMetIleThrPro.
Molecular consequence: inframe insertion.
Genome position (GRCh38, 1-based): chr3:127,029,927-127,029,938, ATGATCACGCCC duplicated; duplicating any 12 consecutive bases within chr3:127,029,920-127,029,938 gives the same sequence; the c. name uses the placement nearest the transcript's 3' end. VCF-style (leftmost placement, unchanged base first): chr3-127029919-G-GCACGCCCATGAT. GRCh37 (hg19) VCF-style: chr3-126748762-G-GCACGCCCATGAT.
Identifiers: ClinVar variation 3354483 (VCV003354483.2).

ClinVar aggregate classification (germline): Uncertain significance (1 of 4 stars; one submission).

Conditions:
PLXNA1-related disorder. Also called: PLXNA1-related condition.

Submission:

PreventionGenetics, part of Exact Sciences
Classification: Uncertain significance for PLXNA1-related condition. Last evaluated: 2025-02-26. Review status: criteria provided, single submitter. Criteria: ACMG Guidelines, 2015. Collection method: clinical testing. Allele origin: germline.
Comment: The PLXNA1 c.4924_4935dup12 variant is predicted to result in an in-frame duplication (p.Met1642_Pro1645dup). To our knowledge, this variant has not been reported in the literature or in a large population database (gnomAD), indicating this variant is rare. At this time, the clinical significance of this variant is uncertain due to the absence of conclusive functional and genetic evidence.